The following is an entry in ClinVar:

NM_139276.3(STAT3):c.9A>G (p.Gln3=)

Gene: STAT3 (signal transducer and activator of transcription 3; minus strand). Cytogenetic location: 17q21.2.
Variant type: single nucleotide variant.
Coding change: c.9A>G on transcript NM_139276.3 (MANE Select); coding-DNA position 9, A replaced by G.
Protein change: p.Gln3=; no amino-acid change (glutamine 3 retained).
Molecular consequence: synonymous variant.
Genome position (GRCh38, 1-based): chr17:42,348,508, T>C on the plus strand (A>G on the coding strand, the complement: STAT3 is on the minus strand). VCF-style: chr17-42348508-T-C. GRCh37 (hg19) VCF-style: chr17-40500526-T-C.
Other names: c.9A>G, p.Gln3= (NM_001369512.1, NM_001369513.1, NM_001369514.1 and 17 more transcripts).
Identifiers: ClinVar variation 1571463 (VCV001571463.31), dbSNP rs749859511, ClinGen allele CA8575729.

ClinVar aggregate classification (germline): Likely benign. Review status: criteria provided, multiple submitters, no conflicts (2 of 4 stars). 3 submissions from 3 submitters: Likely benign (3). Last evaluated 2025-12-23.

Conditions:
Hyper-IgE recurrent infection syndrome 1, autosomal dominant. Also called: Job's Syndrome; JOB SYNDROME; STAT3 Hyper IgE Syndrome; Hyper-IgE recurrent infection syndrome 1; HYPER-IgE SYNDROME 1, AUTOSOMAL DOMINANT, WITH RECURRENT INFECTIONS. Identifiers: Orphanet 2314, MedGen C2936739, MONDO:0007818, OMIM 147060.
STAT3 gain of function. Identifiers: MedGen C4288261.

Allele frequency attached by ClinVar (database versions not stated): ExAC 0.00002; gnomAD 0.00002; gnomAD exomes 0.00003 and 0.00004.
gnomAD v4.1: 42 of 1,613,568 alleles (0.0026%); highest among the groups gnomAD compares: Middle Eastern, 0.035%; no homozygotes.

Submissions (3):

Labcorp Genetics (formerly Invitae), Labcorp
Classification: Likely benign for STAT3 gain of function; Hyper-IgE recurrent infection syndrome 1, autosomal dominant. Last evaluated: 2025-12-23. Review status: criteria provided, single submitter. Criteria: Invitae Variant Classification Sherloc (09022015). Collection method: clinical testing. Allele origin: germline.

Blueprint Genetics
Classification: Likely benign. Last evaluated: 2024-10-31. Review status: criteria provided, single submitter. Criteria: ACMG Guidelines, 2015. Collection method: clinical testing. Allele origin: germline.

CeGaT Center for Human Genetics Tuebingen
Classification: Likely benign. Last evaluated: 2024-01-01. Review status: criteria provided, single submitter. Criteria: CeGaT Center For Human Genetics Tuebingen Variant Classification Criteria Version 2. Collection method: clinical testing. Allele origin: germline. Affected: yes. Observed: 1 variant allele.
Comment: STAT3: BP4, BP7